The following is an entry in ClinVar:

ClinVar aggregate classification (germline): Likely pathogenic. Review status: criteria provided, multiple submitters, no conflicts (2 of 4 stars). 3 submissions from 3 submitters: Likely pathogenic (2). 1 of the submissions does not count toward it. Last evaluated 2023-09-03.

Conditions:
Carnitine palmitoyl transferase 1A deficiency. Also called: Carnitine palmitoyltransferase type I deficiency; Carnitine palmitoyltransferase 1A deficiency; CPT deficiency, hepatic, type IA; CPT I DEFICIENCY; CPT DEFICIENCY, HEPATIC, TYPE I. Identifiers: Orphanet 156, MedGen C1829703, MONDO:0009705, OMIM 255120.

Allele frequency attached by ClinVar (database versions not stated): TOPMed below 0.00001.

Submissions (3):

Baylor Genetics
Classification: Likely pathogenic for Carnitine palmitoyl transferase 1A deficiency. Last evaluated: 2023-09-03. Review status: criteria provided, single submitter. Criteria: ACMG Guidelines, 2015. Collection method: clinical testing. Allele origin: unknown.

Labcorp Genetics (formerly Invitae), Labcorp
Classification: Likely pathogenic for Carnitine palmitoyl transferase 1A deficiency. Last evaluated: 2022-08-23. Review status: criteria provided, single submitter. Criteria: Invitae Variant Classification Sherloc (09022015). Collection method: clinical testing. Allele origin: germline.
Comment: This sequence change affects a donor splice site in intron 7 of the CPT1A gene. It is expected to disrupt RNA splicing. Variants that disrupt the donor or acceptor splice site typically lead to a loss of protein function (PMID: 16199547), and loss-of-function variants in CPT1A are known to be pathogenic (PMID: 16169268). This variant is not present in population databases (gnomAD no frequency). This variant has not been reported in the literature in individuals affected with CPT1A-related conditions. ClinVar contains an entry for this variant (Variation ID: 551055). Algorithms developed to predict the effect of sequence changes on RNA splicing suggest that this variant may disrupt the consensus splice site. In summary, the currently available evidence indicates that the variant is pathogenic, but additional data are needed to prove that conclusively. Therefore, this variant has been classified as Likely Pathogenic.

Counsyl
Classification: Likely pathogenic for Carnitine palmitoyl transferase 1A deficiency. Last evaluated: 2017-03-08. Review status: no assertion criteria provided. Collection method: clinical testing. Allele origin: unknown. Not counted in ClinVar's aggregate classification.

Literature cited by the submitters: PubMed 16199547 (cited by Labcorp Genetics (formerly Invitae), Labcorp); PubMed 16169268 (cited by Labcorp Genetics (formerly Invitae), Labcorp).

NM_001876.4(CPT1A):c.771+1G>C

Gene: CPT1A (carnitine palmitoyltransferase 1A; minus strand). Cytogenetic location: 11q13.3.
Variant type: single nucleotide variant.
Coding change: c.771+1G>C on transcript NM_001876.4 (MANE Select); the canonical splice donor site of the intron after coding-DNA position 771, G replaced by C.
Molecular consequence: splice donor variant.
Genome position (GRCh38, 1-based): chr11:68,796,855, C>G on the plus strand (G>C on the coding strand, the complement: CPT1A is on the minus strand). VCF-style: chr11-68796855-C-G. GRCh37 (hg19) VCF-style: chr11-68564323-C-G.
Other names: c.771+1G>C (NM_001031847.3).
Identifiers: ClinVar variation 551055 (VCV000551055.8), dbSNP rs1555230494, ClinGen allele CA381634782.